The following is an entry in ClinVar:

NC_000002.11:g.(?_202050501)_(202057862_?)del

Gene: CASP10 (caspase 10; plus strand). Cytogenetic location: 2q33.1.
Variant type: Deletion.
Identifiers: ClinVar variation 1449983 (VCV001449983.4).

ClinVar aggregate classification (germline): Uncertain significance (1 of 4 stars; one submission).

Conditions:
Autoimmune lymphoproliferative syndrome type 2A (ALPS2A). Also called: AUTOIMMUNE LYMPHOPROLIFERATIVE SYNDROME, TYPE IIA; Autoimmune lymphoproliferative syndrome type 2; CASP10-Related Autoimmune Lymphoproliferative Syndrome. Identifiers: Orphanet 3261, MedGen C1858968, MONDO:0011383, OMIM 603909.

Submission:

Labcorp Genetics (formerly Invitae), Labcorp
Classification: Uncertain significance for Autoimmune lymphoproliferative syndrome type 2A. Last evaluated: 2020-10-25. Review status: criteria provided, single submitter. Criteria: Invitae Variant Classification Sherloc (09022015). Collection method: clinical testing. Allele origin: germline.
Comment: In summary, the available evidence is currently insufficient to determine the role of this variant in disease. Therefore, it has been classified as a Variant of Uncertain Significance. This variant has not been reported in the literature in individuals with CASP10-related conditions. This variant is a gross deletion of the genomic region encompassing exon(s) 2-4 of the CASP10 gene, which includes the initiator codon. The 5' end of this event is unknown as it extends beyond the assayed region for this gene and therefore may encompass additional genes. The 3' boundary is likely confined to intron 4 of the CASP10 gene. It is expected to result in an absent or disrupted protein product. However, the current clinical and genetic evidence is not sufficient to establish whether loss-of-function variants in CASP10 cause disease.